The following is an entry in ClinVar:

NM_004336.5(BUB1):c.1977G>C (p.Glu659Asp)

Gene: BUB1 (BUB1 mitotic checkpoint serine/threonine kinase; minus strand). Cytogenetic location: 2q13.
Variant type: single nucleotide variant.
Coding change: c.1977G>C on transcript NM_004336.5 (MANE Select); coding-DNA position 1977, G replaced by C.
Protein change: p.Glu659Asp; replaces glutamic acid 659 with aspartic acid.
Molecular consequence: missense variant.
Genome position (GRCh38, 1-based): chr2:110,650,772, C>G on the plus strand (G>C on the coding strand, the complement: BUB1 is on the minus strand). VCF-style: chr2-110650772-C-G. GRCh37 (hg19) VCF-style: chr2-111408349-C-G.
Other names: c.1917G>C, p.Glu639Asp (NM_001278616.2); c.1977G>C, p.Glu659Asp (NM_001278617.2); short protein forms E639D, E659D.
Identifiers: ClinVar variation 3262126 (VCV003262126.1).

ClinVar aggregate classification (germline): Uncertain significance (1 of 4 stars; one submission).

Submission:

Ambry Genetics
Classification: Uncertain significance. Last evaluated: 2024-03-19. Review status: criteria provided, single submitter. Criteria: Ambry Variant Classification Scheme 2023. Collection method: clinical testing. Allele origin: germline.
Comment: The p.E659D variant (also known as c.1977G>C), located in coding exon 18 of the BUB1 gene, results from a G to C substitution at nucleotide position 1977. The glutamic acid at codon 659 is replaced by aspartic acid, an amino acid with highly similar properties. This amino acid position is conserved. In addition, this alteration is predicted to be tolerated by in silico analysis. Based on the available evidence, the clinical significance of this alteration remains unclear.